The following is an entry in ClinVar:

NM_000124.4(ERCC6):c.1762TGG[1] (p.Trp589del)

Gene: ERCC6 (ERCC excision repair 6, chromatin remodeling factor; minus strand). Cytogenetic location: 10q11.23.
Variant type: Microsatellite.
Coding change: c.1762TGG[1] on transcript NM_000124.4 (MANE Select); one copy of the 3-base unit TGG starting at c.1762; the reference has two copies in a row; one copy, 3 bases deleted; also written c.1765_1767del.
Protein change: p.Trp589del; deletes tryptophan 589.
Molecular consequence: inframe deletion.
Genome position (GRCh38, 1-based): chr10:49,493,171-49,493,173, CCA deleted on the plus strand (TGG on the coding strand, the reverse complement: ERCC6 is on the minus strand); deleting any 3 consecutive bases within chr10:49,493,171-49,493,177 gives the same sequence; the position shown is the placement nearest the transcript's 3' end. VCF-style (leftmost placement, unchanged base first): chr10-49493170-GCCA-G. GRCh37 (hg19) VCF-style: chr10-50701216-GCCA-G.
Other names: c.1762TGG[1], p.Trp589del (NM_001346440.2); c.1765_1767del (NM_000124.4); c.1765_1767delTGG (NM_000124.4); short protein forms W589del.
Identifiers: ClinVar variation 1217301 (VCV001217301.4), dbSNP rs760919459, ClinGen allele CA5495871.

ClinVar aggregate classification (germline): Conflicting classifications of pathogenicity. Review status: criteria provided, conflicting classifications (1 of 4 stars). 3 submissions from 3 submitters: Likely pathogenic (1); Uncertain significance (2). Last evaluated 2026-04-06.

Conditions:
Cockayne spectrum with or without cerebrooculofacioskeletal syndrome. Identifiers: MedGen CN315928, MONDO:0100506.

Submissions (3):

Myriad Genetics, Inc.
Classification: Uncertain significance for Cockayne spectrum with or without cerebrooculofacioskeletal syndrome. Last evaluated: 2026-04-06. Review status: criteria provided, single submitter. Criteria: Myriad Autosomal Dominant, Autosomal Recessive and X-Linked Classification Criteria (2023). Collection method: clinical testing. Allele origin: unknown.
Comment: NM_000124.2(ERCC6):c.1765_1767delTGG(W589del) is an in-frame deletion classified as a variant of uncertain significance in the context of ERCC6-related disorders. W589del has been observed in a case with relevant disease (PMID: 29572252). Relevant functional assessments of this variant are not available in the literature. W589del has been observed in referenced population frequency databases. In summary, there is insufficient evidence to classify NM_000124.2(ERCC6):c.1765_1767delTGG(W589del) as pathogenic or benign. Please note: this variant was assessed in the context of healthy population screening.

Women's Health and Genetics/Laboratory Corporation of America, LabCorp
Classification: Uncertain significance. Last evaluated: 2024-01-12. Review status: criteria provided, single submitter. Criteria: LabCorp Variant Classification Summary - May 2015. Collection method: clinical testing. Allele origin: germline.
Comment: Variant summary: ERCC6 c.1765_1767delTGG (p.Trp589del) results in an in-frame deletion that is predicted to remove 1 amino acid from the encoded protein. The variant allele was found at a frequency of 1.2e-05 in 251324 control chromosomes. The available data on variant occurrences in the general population are insufficient to allow any conclusion about variant significance. c.1765_1767delTGG has been reported in the literature in at least one compound heterozygous individual affected with Cockayne Syndrome (e.g. Calmels_2018). These data do not allow any conclusion about variant significance. To our knowledge, no experimental evidence demonstrating an impact on protein function has been reported. The following publication have been ascertained in the context of this evaluation (PMID: 29572252). ClinVar contains an entry for this variant (Variation ID: 1217301). Based on the evidence outlined above, the variant was classified as uncertain significance.

Clinical Genetics Laboratory, Skane University Hospital Lund
Classification: Likely pathogenic. Last evaluated: 2023-12-19. Review status: criteria provided, single submitter. Criteria: ACMG Guidelines, 2015. Collection method: clinical testing. Allele origin: germline. Affected: yes.

Literature cited by the submitters: PubMed 29572252 (cited by Myriad Genetics, Inc. and Women's Health and Genetics/Laboratory Corporation of America, LabCorp).